The following is an entry in ClinVar:

NM_000635.4(RFX2):c.812G>A (p.Arg271His)

Genes: RANBP3-DT (RANBP3 divergent transcript; plus strand), RFX2 (regulatory factor X2; minus strand). Cytogenetic location: 19p13.3.
Variant type: single nucleotide variant.
Coding change: c.812G>A on transcript NM_000635.4 (MANE Select); coding-DNA position 812, G replaced by A.
Protein change: p.Arg271His; replaces arginine 271 with histidine.
Molecular consequence: missense variant.
Genome position (GRCh38, 1-based): chr19:6,013,073, C>T on the plus strand (G>A on the coding strand, the complement: RFX2 is on the minus strand). VCF-style: chr19-6013073-C-T. GRCh37 (hg19) VCF-style: chr19-6013084-C-T.
Other names: c.737G>A, p.Arg246His (NM_134433.3); short protein forms R246H, R271H.
Identifiers: ClinVar variation 4880094 (VCV004880094.1).

ClinVar aggregate classification (germline): Uncertain significance (1 of 4 stars; one submission).

Conditions:
Primary ciliary dyskinesia. Also called: Ciliary dyskinesia. Identifiers: Orphanet 244, MedGen C0008780, MONDO:0016575, HP:0012265.

gnomAD v4.1: 2,139 of 1,599,540 alleles (0.13%); highest among the groups gnomAD compares: Non-Finnish European, 0.15%; 7 homozygotes.

Submission:

Department of Human Genetics, Hannover Medical School
Classification: Uncertain significance for Primary Ciliary Dyskinesia. Last evaluated: 2026-04-01. Review status: criteria provided, single submitter. Criteria: ACMG Guidelines, 2015. Collection method: research. Allele origin: germline. Affected: no.
Comment: Classification performed by HerediClassify using the following criteria:['PP3_protein_moderate: Variant is predicted to be pathogenic by REVEL with evidence strength moderate.', "PP4_moderate: The modified PICADAR socre of 4.0 exceeds threshold of 3 achieving 'moderate' evidence strength."]